The following is an entry in ClinVar:

ClinVar aggregate classification (germline): Pathogenic/Likely pathogenic. Review status: criteria provided, multiple submitters, no conflicts (2 of 4 stars). 3 submissions from 3 submitters: Pathogenic (2); Likely pathogenic (1). Last evaluated 2024-02-11.

Conditions:
Leber congenital amaurosis 1 (LCA1). Also called: Congenital absence of the rods and cones; Leber's congenital tapetoretinal degeneration; Leber's congenital tapetoretinal dysplasia; AMAUROSIS CONGENITA OF LEBER I; RETINAL BLINDNESS, CONGENITAL. Identifiers: Orphanet 65, MedGen C2931258, MONDO:0008764, OMIM 204000.
Leber congenital amaurosis 5 (LCA5). Also called: Amaurosis congenita of Leber, type 5. Identifiers: Orphanet 65, MedGen C1858301, MONDO:0011473, OMIM 604537.

Allele frequency attached by ClinVar (database versions not stated): gnomAD 0.00001.
gnomAD v4.1: 6 of 1,440,110 alleles (0.00042%); highest among the groups gnomAD compares: Admixed American, 0.0018%; no homozygotes.

Submissions (3):

Baylor Genetics
Classification: Likely pathogenic for Leber congenital amaurosis 5. Last evaluated: 2024-02-11. Review status: criteria provided, single submitter. Criteria: ACMG Guidelines, 2015. Collection method: clinical testing. Allele origin: unknown.

Labcorp Genetics (formerly Invitae), Labcorp
Classification: Pathogenic. Last evaluated: 2023-11-27. Review status: criteria provided, single submitter. Criteria: Invitae Variant Classification Sherloc (09022015). Collection method: clinical testing. Allele origin: germline.
Comment: This sequence change replaces alanine, which is neutral and non-polar, with threonine, which is neutral and polar, at codon 319 of the LCA5 protein (p.Ala319Thr). RNA analysis indicates that this missense change induces altered splicing and may result in an absent or disrupted protein product. The frequency data for this variant in the population databases is considered unreliable, as metrics indicate poor data quality at this position in the gnomAD database. This missense change has been observed in individuals with Leber congenital amaurosis (PMID: 18334959, 32865313). It has also been observed to segregate with disease in related individuals. ClinVar contains an entry for this variant (Variation ID: 802243). An algorithm developed to predict the effect of missense changes on protein structure and function (PolyPhen-2) suggests that this variant is likely to be tolerated. Variants that disrupt the consensus splice site are a relatively common cause of aberrant splicing (PMID: 17576681, 9536098). Studies have shown that this missense change results in activation of a cryptic splice site and introduces a premature termination codon (PMID: 18334959). The resulting mRNA is expected to undergo nonsense-mediated decay. For these reasons, this variant has been classified as Pathogenic.

Mendelics
Classification: Pathogenic for Leber congenital amaurosis 1. Last evaluated: 2019-05-28. Review status: criteria provided, single submitter. Criteria: Mendelics Assertion Criteria 2017. Collection method: clinical testing. Allele origin: unknown.

Literature cited by the submitters: PubMed 18334959 (cited by Labcorp Genetics (formerly Invitae), Labcorp); PubMed 32865313 (cited by Labcorp Genetics (formerly Invitae), Labcorp); PubMed 17576681 (cited by Labcorp Genetics (formerly Invitae), Labcorp); PubMed 9536098 (cited by Labcorp Genetics (formerly Invitae), Labcorp).

NM_001122769.3(LCA5):c.955G>A (p.Ala319Thr)

Gene: LCA5 (lebercilin LCA5; minus strand). Cytogenetic location: 6q14.1.
Variant type: single nucleotide variant.
Coding change: c.955G>A on transcript NM_001122769.3 (MANE Select); coding-DNA position 955, G replaced by A.
Protein change: p.Ala319Thr; replaces alanine 319 with threonine.
Molecular consequence: missense variant.
Genome position (GRCh38, 1-based): chr6:79,492,551, C>T on the plus strand (G>A on the coding strand, the complement: LCA5 is on the minus strand). VCF-style: chr6-79492551-C-T. GRCh37 (hg19) VCF-style: chr6-80202268-C-T.
Other names: c.955G>A, p.Ala319Thr (NM_181714.4); short protein forms A319T.
Identifiers: ClinVar variation 802243 (VCV000802243.8), dbSNP rs1178243254, ClinGen allele CA364644392.